The following is an entry in ClinVar:

NM_145178.4(ATOH7):c.187T>A (p.Leu63Ile)

Gene: ATOH7 (atonal bHLH transcription factor 7; minus strand). Cytogenetic location: 10q21.3.
Variant type: single nucleotide variant.
Coding change: c.187T>A on transcript NM_145178.4 (MANE Select); coding-DNA position 187, T replaced by A.
Protein change: p.Leu63Ile; replaces leucine 63 with isoleucine.
Molecular consequence: missense variant.
Genome position (GRCh38, 1-based): chr10:68,231,491, A>T on the plus strand (T>A on the coding strand, the complement: ATOH7 is on the minus strand). VCF-style: chr10-68231491-A-T. GRCh37 (hg19) VCF-style: chr10-69991248-A-T.
Other names: c.187T>A (NM_145178.2); short protein forms L63I.
Identifiers: ClinVar variation 2098018 (VCV002098018.5), dbSNP rs761604554, ClinGen allele CA5523369.

ClinVar aggregate classification (germline): Uncertain significance. Review status: criteria provided, multiple submitters, no conflicts (2 of 4 stars). 2 submissions from 2 submitters: Uncertain significance (2). Last evaluated 2025-05-13.

Allele frequency attached by ClinVar (database versions not stated): gnomAD exomes 0.00001; ExAC 0.00002; TOPMed 0.00002; gnomAD 0.00003.

Submissions (2):

Ambry Genetics
Classification: Uncertain significance. Last evaluated: 2025-05-13. Review status: criteria provided, single submitter. Criteria: Ambry Variant Classification Scheme 2023. Collection method: clinical testing. Allele origin: germline.

Labcorp Genetics (formerly Invitae), Labcorp
Classification: Uncertain significance. Last evaluated: 2022-04-16. Review status: criteria provided, single submitter. Criteria: Invitae Variant Classification Sherloc (09022015). Collection method: clinical testing. Allele origin: germline.
Comment: This sequence change replaces leucine, which is neutral and non-polar, with isoleucine, which is neutral and non-polar, at codon 63 of the ATOH7 protein (p.Leu63Ile). In summary, the available evidence is currently insufficient to determine the role of this variant in disease. Therefore, it has been classified as a Variant of Uncertain Significance. Algorithms developed to predict the effect of missense changes on protein structure and function are either unavailable or do not agree on the potential impact of this missense change (SIFT: "Deleterious"; PolyPhen-2: "Probably Damaging"; Align-GVGD: "Class C0"). This variant has not been reported in the literature in individuals affected with ATOH7-related conditions. This variant is present in population databases (rs761604554, gnomAD 0.002%).